The following is an entry in ClinVar:

NM_001111125.3(IQSEC2):c.2648T>C (p.Ile883Thr)

Gene: IQSEC2 (IQ motif and Sec7 domain ArfGEF 2; minus strand). Cytogenetic location: Xp11.22.
Variant type: single nucleotide variant.
Coding change: c.2648T>C on transcript NM_001111125.3 (MANE Select); coding-DNA position 2648, T replaced by C.
Protein change: p.Ile883Thr; replaces isoleucine 883 with threonine.
Molecular consequence: missense variant.
Genome position (GRCh38, 1-based): chrX:53,247,070, A>G on the plus strand (T>C on the coding strand, the complement: IQSEC2 is on the minus strand). VCF-style: chrX-53247070-A-G. GRCh37 (hg19) VCF-style: chrX-53276252-A-G.
Other names: c.2648T>C, p.Ile883Thr (NM_001410736.1); c.2033T>C, p.Ile678Thr (NM_015075.2); short protein forms I678T, I883T.
Identifiers: ClinVar variation 2672128 (VCV002672128.1), dbSNP rs2519772229, ClinGen allele CA413155994.
Genomic context (GRCh38, chrX:53,247,070, plus strand): 5'-TCAGCTTTGACGCTGGGACTGTACATGTCGGTATTGAGGAGGATGATGGCAAAAGCAAGG[A>G]TGAAGATGGTGTCTGGGTTCCGGAACTGGCGCACGAGGGCTGGGTTACAGACACAGTACC-3'
Protein context (NP_001104595.1, residues 873-893): RQFRNPDTIF[Ile883Thr]LAFAIILLNT

ClinVar aggregate classification (germline): Uncertain significance (1 of 4 stars; one submission).

Conditions:
Intellectual developmental disorder, X-linked 1. Also called: MENTAL RETARDATION, X-LINKED 18; MENTAL RETARDATION, X-LINKED 78; Atkin Flaitz Patil Smith syndrome; Intellectual disability, X-linked 1. Identifiers: Orphanet 777, MedGen C2931498, MONDO:0010656, OMIM 309530.

Submission:

Clinical Genomics Laboratory, Washington University in St. Louis
Classification: Uncertain significance for Intellectual developmental disorder, X-linked 1. Last evaluated: 2023-09-11. Review status: criteria provided, single submitter. Criteria: ACMG Guidelines, 2015. Collection method: clinical testing. Allele origin: germline.
Comment: The IQSEC2 c.2648T>C (p.Ile883Thr) variant, to our knowledge, has not been reported in the medical literature and is absent from the general population (gnomAD v.2.1.1), indicating it is not a common variant. Computational predictors are uncertain as to the impact of this variant on IQSEC2 function. Due to limited information, and based on ACMG/AMP guidelines for variant interpretation (Richards S et al., PMID: 25741868), the clinical significance of this variant is uncertain at this time.